The following is an entry in ClinVar:

ClinVar aggregate classification (germline): Likely benign. Review status: criteria provided, single submitter (1 of 4 stars). 2 submissions from 2 submitters: Likely benign (1). 1 of the submissions does not count toward it. Last evaluated 2025-11-17.

Conditions:
Multiple gastrointestinal atresias. Also called: FAMILIAL INTESTINAL POLYATRESIA SYNDROME; Multiple intestinal atresia. Identifiers: Orphanet 2300, MedGen C0220744, MONDO:0009465.
TTC7A-related disorder. Also called: TTC7A-related condition.

Allele frequency attached by ClinVar (database versions not stated): gnomAD 0.00001; ExAC 0.00002; TOPMed 0.00001.
gnomAD v4.1: 6 of 1,613,950 alleles (0.00037%); highest among the groups gnomAD compares: Admixed American, 0.01%; no homozygotes.

Submissions (2):

Labcorp Genetics (formerly Invitae), Labcorp
Classification: Likely benign for Multiple gastrointestinal atresias. Last evaluated: 2025-11-17. Review status: criteria provided, single submitter. Criteria: Invitae Variant Classification Sherloc (09022015). Collection method: clinical testing. Allele origin: germline.

PreventionGenetics, part of Exact Sciences
Classification: Likely benign for TTC7A-related condition. Last evaluated: 2024-01-26. Review status: no assertion criteria provided. Collection method: clinical testing. Allele origin: germline. Not counted in ClinVar's aggregate classification.
Comment: This variant is classified as likely benign based on ACMG/AMP sequence variant interpretation guidelines (Richards et al. 2015 PMID: 25741868, with internal and published modifications).

NM_020458.4(TTC7A):c.1066-8A>G

Gene: TTC7A (tetratricopeptide repeat domain 7A; plus strand). Cytogenetic location: 2p21.
Variant type: single nucleotide variant.
Coding change: c.1066-8A>G on transcript NM_020458.4 (MANE Select); 8 bases into the intron before coding-DNA position 1066, A replaced by G.
Molecular consequence: intron variant.
Genome position (GRCh38, 1-based): chr2:47,005,914, A>G. VCF-style: chr2-47005914-A-G. GRCh37 (hg19) VCF-style: chr2-47233053-A-G.
Other names: c.964-8A>G (NM_001288953.2); c.1066-8A>G (NM_001288951.2); c.4-8A>G (NM_001288955.2).
Identifiers: ClinVar variation 3048467 (VCV003048467.4), dbSNP rs753620992, ClinGen allele CA1647484.
Genomic context (GRCh38, chr2:47,005,914, plus strand): 5'-GCCCTGCGAAGACAGACACCTGCTTATCTACTCTCCTCACTCTTTCCCAAACAATGTCCC[A>G]CCCACAGGCAACTCGAGATGTGGTGCTGAGCCGGGTGCCGGAGCAGGAGGAGGACCGGAC-3'